The following is an entry in ClinVar:

ClinVar aggregate classification (germline): Uncertain significance (1 of 4 stars; one submission).

Conditions:
Developmental and epileptic encephalopathy, 9 (DEE9). Also called: Early infantile epileptic encephalopathy 9; EPILEPSY, FEMALE-RESTRICTED, WITH MENTAL RETARDATION; JUBERG-HELLMAN SYNDROME; PCDH19-Related X-Linked Female-Limited Epilepsy with Mental Retardation. Identifiers: Orphanet 101039, Orphanet 2076, MedGen C1848137, MONDO:0010246, OMIM 300088. Disease mechanism: loss of function.

gnomAD v4.1: 5 of 1,210,148 alleles (0.00041%); highest among the groups gnomAD compares: Non-Finnish European, 0.00056%; no homozygotes.

Submission:

Labcorp Genetics (formerly Invitae), Labcorp
Classification: Uncertain significance for Developmental and epileptic encephalopathy, 9. Last evaluated: 2026-01-31. Review status: criteria provided, single submitter. Criteria: Invitae Variant Classification Sherloc (09022015). Collection method: clinical testing. Allele origin: germline.
Comment: This sequence change replaces asparagine, which is neutral and polar, with serine, which is neutral and polar, at codon 171 of the PCDH19 protein (p.Asn171Ser). This variant is present in population databases (rs771824360, gnomAD 0.004%). This variant has not been reported in the literature in individuals affected with PCDH19-related conditions. Invitae Evidence Modeling of protein sequence and biophysical properties (such as structural, functional, and spatial information, amino acid conservation, physicochemical variation, residue mobility, and thermodynamic stability) has been performed for this missense variant. However, the output from this modeling did not meet the statistical confidence thresholds required to predict the impact of this variant on PCDH19 protein function. In summary, the available evidence is currently insufficient to determine the role of this variant in disease. Therefore, it has been classified as a Variant of Uncertain Significance.

NM_001184880.2(PCDH19):c.512A>G (p.Asn171Ser)

Gene: PCDH19 (protocadherin 19; minus strand). Cytogenetic location: Xq22.1.
Variant type: single nucleotide variant.
Coding change: c.512A>G on transcript NM_001184880.2 (MANE Select); coding-DNA position 512, A replaced by G.
Protein change: p.Asn171Ser; replaces asparagine 171 with serine.
Molecular consequence: missense variant.
Genome position (GRCh38, 1-based): chrX:100,408,086, T>C on the plus strand (A>G on the coding strand, the complement: PCDH19 is on the minus strand). VCF-style: chrX-100408086-T-C. GRCh37 (hg19) VCF-style: chrX-99663084-T-C.
Other names: c.512A>G, p.Asn171Ser (NM_001105243.2, NM_020766.3); short protein forms N171S.
Identifiers: ClinVar variation 4806044 (VCV004806044.1).
Genomic context (GRCh38, chrX:100,408,086, plus strand): 5'-ACGAGTTCGGCAAAGCGGGAGCCGTCGCCGCGCGTCTTGATCTCCAGGCCGAACAGCTCG[T>C]TGGGCGTGAGCTCGTAAGTCTGCACGCCAAAGCTTCCTGAGTCTGGATCGTAAGCGCTGT-3'
Protein context (NP_001171809.1, residues 161-181): FGVQTYELTP[Asn171Ser]ELFGLEIKTR